The following is an entry in ClinVar:

NM_001003722.2(GLE1):c.642+1G>A

Gene: GLE1 (GLE1 RNA export mediator; plus strand). Cytogenetic location: 9q34.11.
Variant type: single nucleotide variant.
Coding change: c.642+1G>A on transcript NM_001003722.2 (MANE Select); the canonical splice donor site of the intron after coding-DNA position 642, G replaced by A.
Molecular consequence: splice donor variant.
Genome position (GRCh38, 1-based): chr9:128,523,341, G>A. VCF-style: chr9-128523341-G-A. GRCh37 (hg19) VCF-style: chr9-131285620-G-A.
Other names: c.642+1G>A (NM_001499.2, NM_001411013.1).
Identifiers: ClinVar variation 2847314 (VCV002847314.3), dbSNP rs771707809, ClinGen allele CA200381079.

ClinVar aggregate classification (germline): Likely pathogenic (1 of 4 stars; one submission).

Allele frequency attached by ClinVar (database versions not stated): gnomAD exomes 0.00001.

Submission:

Labcorp Genetics (formerly Invitae), Labcorp
Classification: Likely pathogenic. Last evaluated: 2023-05-02. Review status: criteria provided, single submitter. Criteria: Invitae Variant Classification Sherloc (09022015). Collection method: clinical testing. Allele origin: germline.
Comment: In summary, the currently available evidence indicates that the variant is pathogenic, but additional data are needed to prove that conclusively. Therefore, this variant has been classified as Likely Pathogenic. Algorithms developed to predict the effect of sequence changes on RNA splicing suggest that this variant may disrupt the consensus splice site. This variant has not been reported in the literature in individuals affected with GLE1-related conditions. This variant is not present in population databases (gnomAD no frequency). This sequence change affects a donor splice site in intron 5 of the GLE1 gene. It is expected to disrupt RNA splicing. Variants that disrupt the donor or acceptor splice site typically lead to a loss of protein function (PMID: 16199547), and loss-of-function variants in GLE1 are known to be pathogenic (PMID: 18204449, 24243016, 27684565).

Literature cited by the submitters: PubMed 16199547; PubMed 18204449; PubMed 24243016; PubMed 27684565.